The following is an entry in ClinVar:

NM_024408.4(NOTCH2):c.6166C>T (p.His2056Tyr)

Gene: NOTCH2 (notch receptor 2; minus strand). Cytogenetic location: 1p12.
Variant type: single nucleotide variant.
Coding change: c.6166C>T on transcript NM_024408.4 (MANE Select); coding-DNA position 6166, C replaced by T.
Protein change: p.His2056Tyr; replaces histidine 2056 with tyrosine.
Molecular consequence: missense variant.
Genome position (GRCh38, 1-based): chr1:119,916,556, G>A on the plus strand (C>T on the coding strand, the complement: NOTCH2 is on the minus strand). VCF-style: chr1-119916556-G-A. GRCh37 (hg19) VCF-style: chr1-120459179-G-A.
Other names: short protein forms H2056Y.
Identifiers: ClinVar variation 2141947 (VCV002141947.4), dbSNP rs2526108443, ClinGen allele CA341880363.
Genomic context (GRCh38, chr1:119,916,556, plus strand): 5'-ACACGGTGCCTGGAGGGCTTGGGGTCACATTGTATTCATCCAGAAGGCGCACAATGTCAT[G>A]GTGCATGCGATCCCGAGCCACATCCCGGGGAAGACGATCCATATGGTCTGTGATGTCTCG-3'
Protein context (NP_077719.2, residues 2046-2066): PRDVARDRMH[His2056Tyr]DIVRLLDEYN

ClinVar aggregate classification (germline): Uncertain significance (1 of 4 stars; one submission).

Conditions:
Hajdu-Cheney syndrome (HJCYS). Also called: Acroosteolysis dominant type; ACROOSTEOLYSIS WITH OSTEOPOROSIS AND CHANGES IN SKULL AND MANDIBLE; SERPENTINE FIBULA-POLYCYSTIC KIDNEY SYNDROME. Identifiers: Orphanet 955, MedGen C0917715, MONDO:0007057, OMIM 102500.

Submission:

Labcorp Genetics (formerly Invitae), Labcorp
Classification: Uncertain significance for Hajdu-Cheney syndrome. Last evaluated: 2022-10-19. Review status: criteria provided, single submitter. Criteria: Invitae Variant Classification Sherloc (09022015). Collection method: clinical testing. Allele origin: germline.
Comment: Advanced modeling of protein sequence and biophysical properties (such as structural, functional, and spatial information, amino acid conservation, physicochemical variation, residue mobility, and thermodynamic stability) performed at Invitae indicates that this missense variant is expected to disrupt NOTCH2 protein function. In summary, the available evidence is currently insufficient to determine the role of this variant in disease. Therefore, it has been classified as a Variant of Uncertain Significance. This variant has not been reported in the literature in individuals affected with NOTCH2-related conditions. This variant is not present in population databases (gnomAD no frequency). This sequence change replaces histidine, which is basic and polar, with tyrosine, which is neutral and polar, at codon 2056 of the NOTCH2 protein (p.His2056Tyr).